The following is an entry in ClinVar:

ClinVar aggregate classification (germline): Pathogenic/Likely pathogenic. Review status: criteria provided, multiple submitters, no conflicts (2 of 4 stars). 2 submissions from 2 submitters: Pathogenic (1); Likely pathogenic (1). Last evaluated 2026-08-03.

Conditions:
Wilms tumor 1 (WT1). Also called: Wilms tumor, somatic. Identifiers: Orphanet 654, MedGen CN033288, MONDO:0008679, OMIM 194070.

Submissions (2):

Genelabs Medical  (pvt) Ltd
Classification: Likely pathogenic for Wilms tumor 1. Last evaluated: 2026-08-03. Review status: criteria provided, single submitter. Criteria: ACMG Guidelines, 2015. Collection method: clinical testing. Allele origin: germline. Affected: yes. Observed: 1 heterozygote.
Comment: The frameshift variant NM_024426.6(WT1):c.1153delinsGG (p.Arg385Glyfs*5) is absent from population databases, supporting its rarity. This complex deletion–insertion results in a frameshift beginning at codon 385, introducing a premature termination codon five amino acids downstream. The variant is located in exon 7 of 10 and is predicted to undergo nonsense-mediated decay (NMD), likely resulting in loss of normal WT1 protein function. WT1 has a definitive gene-disease association with autosomal dominant Wilms tumor type 1, as curated by ClinGen. Importantly, ClinGen curation distinguishes Wilms tumor type 1 from congenital malformation syndromes associated with WT1 (including Denys–Drash, Frasier, Meacham syndromes, and nephrotic syndrome type 4), noting that Wilms tumor type 1 is predominantly caused by loss-of-function variants, whereas several congenital syndromes are more often associated with missense variants acting through dominant-negative mechanisms. Loss-of-function is therefore a well-established mechanism of disease for Wilms tumor type 1, with 91 pathogenic or likely pathogenic loss-of-function variants reported in WT1, including 20 downstream truncating variants, supporting intolerance to protein truncation. Based on the cumulative evidence, this variant is classified as Likely Pathogenic. (PVS1, PM2_Supporting)

Institute of Human Genetics, University of Leipzig Medical Center
Classification: Pathogenic for Wilms tumor 1. Last evaluated: 2026-05-05. Review status: criteria provided, single submitter. Criteria: ACMG Guidelines, 2015. Collection method: clinical testing. Allele origin: unknown. Inheritance: Autosomal dominant inheritance. Affected: yes.
Comment: Criteria applied: PVS1,PM2

NM_024426.6(WT1):c.1153delinsGG (p.Arg385fs)

Gene: WT1 (WT1 transcription factor; minus strand). Cytogenetic location: 11p13.
Variant type: Indel.
Coding change: c.1153delinsGG on transcript NM_024426.6 (MANE Select); coding-DNA position 1153, C replaced by GG.
Protein change: p.Arg385fs; shifts the reading frame from arginine 385.
Molecular consequence: frameshift variant. On other transcripts: 5 prime UTR variant (1), non-coding transcript variant (2).
Genome position (GRCh38, 1-based): chr11:32,396,368, G replaced by CC on the plus strand (C replaced by GG on the coding strand, the reverse complement: WT1 is on the minus strand). VCF-style: chr11-32396368-G-CC. GRCh37 (hg19) VCF-style: chr11-32417914-G-CC.
Other names: c.1102delinsGG, p.Arg368fs (NM_000378.6, NM_001407045.1, NM_001407048.1 and 1 more transcripts); c.502delinsGG, p.Arg168fs (NM_001198551.2); c.451delinsGG, p.Arg151fs (NM_001198552.2); c.-36delinsGG (NM_001367854.1); c.1147delinsGG, p.Arg383fs (NM_001407044.1); c.1153delinsGG, p.Arg385fs (NM_001407046.1, NM_024424.5); c.1030delinsGG, p.Arg344fs (NM_001407047.1); c.979delinsGG, p.Arg327fs (NM_001407050.1); and 3 more; short protein forms R131fs, R151fs, R168fs, R295fs, R312fs, R327fs, R344fs, R368fs.
Identifiers: ClinVar variation 4857434 (VCV004857434.2).
Genomic context (GRCh38, chr11:32,396,368, plus strand): 5'-TATTGCAGCCTGGGTAAGCACACATGAAGGGGCGTTTCTCACTGGTCTCAGATGCCGACC[G>CC]TACAAGAGTCGGGGCTACTCCAGGCACACGTCGCACATCCTGCAGGCAGAGAGTAAGAGG-3'